The following is an entry in ClinVar:

ClinVar aggregate classification (germline): Uncertain significance (1 of 4 stars; one submission).

Conditions:
Fanconi anemia (FA). Also called: Fanconi's anemia. Identifiers: Orphanet 84, MedGen C0015625, MeSH D005199, MONDO:0019391.

Submission:

Labcorp Genetics (formerly Invitae), Labcorp
Classification: Uncertain significance for Fanconi anemia. Last evaluated: 2021-11-15. Review status: criteria provided, single submitter. Criteria: Invitae Variant Classification Sherloc (09022015). Collection method: clinical testing. Allele origin: germline.
Comment: This sequence change replaces lysine, which is basic and polar, with glutamic acid, which is acidic and polar, at codon 1699 of the FANCM protein (p.Lys1699Glu). In summary, the available evidence is currently insufficient to determine the role of this variant in disease. Therefore, it has been classified as a Variant of Uncertain Significance. Algorithms developed to predict the effect of missense changes on protein structure and function output the following: SIFT: "Tolerated"; PolyPhen-2: "Benign"; Align-GVGD: "Class C0". The glutamic acid amino acid residue is found in multiple mammalian species, which suggests that this missense change does not adversely affect protein function. This variant has not been reported in the literature in individuals affected with FANCM-related conditions. This variant is not present in population databases (gnomAD no frequency).

NM_020937.4(FANCM):c.5095A>G (p.Lys1699Glu)

Gene: FANCM (FA complementation group M; plus strand). Cytogenetic location: 14q21.2.
Variant type: single nucleotide variant.
Coding change: c.5095A>G on transcript NM_020937.4 (MANE Select); coding-DNA position 5095, A replaced by G.
Protein change: p.Lys1699Glu; replaces lysine 1699 with glutamic acid.
Molecular consequence: missense variant.
Genome position (GRCh38, 1-based): chr14:45,189,117, A>G. VCF-style: chr14-45189117-A-G. GRCh37 (hg19) VCF-style: chr14-45658320-A-G.
Other names: c.5017A>G, p.Lys1673Glu (NM_001308133.2); short protein forms K1673E, K1699E.
Identifiers: ClinVar variation 1447689 (VCV001447689.6), dbSNP rs2139296999, ClinGen allele CA389612386.